The following is an entry in ClinVar:

ClinVar aggregate classification (germline): Uncertain significance (1 of 4 stars; one submission).

Conditions:
Charcot-Marie-Tooth disease axonal type 2F (CMT2F). Also called: CHARCOT-MARIE-TOOTH DISEASE, NEURONAL, TYPE 2F; Charcot-Marie-Tooth Neuropathy Type 2F. Identifiers: Orphanet 99940, MedGen C1847823, MONDO:0011687, OMIM 606595.

gnomAD v4.1: 4 of 1,560,174 alleles (0.00026%); highest among the groups gnomAD compares: South Asian, 0.0035%; no homozygotes.

Submission:

Labcorp Genetics (formerly Invitae), Labcorp
Classification: Uncertain significance for Charcot-Marie-Tooth disease axonal type 2F. Last evaluated: 2024-03-06. Review status: criteria provided, single submitter. Criteria: Invitae Variant Classification Sherloc (09022015). Collection method: clinical testing. Allele origin: germline.
Comment: This sequence change replaces proline, which is neutral and non-polar, with threonine, which is neutral and polar, at codon 59 of the HSPB1 protein (p.Pro59Thr). This variant is not present in population databases (gnomAD no frequency). This variant has not been reported in the literature in individuals affected with HSPB1-related conditions. Advanced modeling of protein sequence and biophysical properties (such as structural, functional, and spatial information, amino acid conservation, physicochemical variation, residue mobility, and thermodynamic stability) performed at Invitae indicates that this missense variant is not expected to disrupt HSPB1 protein function with a negative predictive value of 95%. In summary, the available evidence is currently insufficient to determine the role of this variant in disease. Therefore, it has been classified as a Variant of Uncertain Significance.

NM_001540.5(HSPB1):c.175C>A (p.Pro59Thr)

Gene: HSPB1 (heat shock protein family B (small) member 1; plus strand). Cytogenetic location: 7q11.23.
Variant type: single nucleotide variant.
Coding change: c.175C>A on transcript NM_001540.5 (MANE Select); coding-DNA position 175, C replaced by A.
Protein change: p.Pro59Thr; replaces proline 59 with threonine.
Molecular consequence: missense variant.
Genome position (GRCh38, 1-based): chr7:76,302,887, C>A. VCF-style: chr7-76302887-C-A. GRCh37 (hg19) VCF-style: chr7-75932204-C-A.
Other names: short protein forms P59T.
Identifiers: ClinVar variation 3626086 (VCV003626086.2).